The following is an entry in ClinVar:

NM_001039111.3(TRIM71):c.771G>A (p.Gly257=)

Gene: TRIM71 (tripartite motif containing 71; plus strand). Cytogenetic location: 3p22.3.
Variant type: single nucleotide variant.
Coding change: c.771G>A on transcript NM_001039111.3 (MANE Select); coding-DNA position 771, G replaced by A.
Protein change: p.Gly257=; no amino-acid change (glycine 257 retained).
Molecular consequence: synonymous variant.
Genome position (GRCh38, 1-based): chr3:32,818,851, G>A. VCF-style: chr3-32818851-G-A. GRCh37 (hg19) VCF-style: chr3-32860343-G-A.
Other names: c.771G>A (NM_001039111.2).
Identifiers: ClinVar variation 2653645 (VCV002653645.26), dbSNP rs200612822, ClinGen allele CA2298686.

ClinVar aggregate classification (germline): Likely benign. Review status: criteria provided, multiple submitters, no conflicts (2 of 4 stars). 3 submissions from 3 submitters: Likely benign (2). 1 of the submissions does not count toward it. Last evaluated 2026-03-01.

Conditions:
TRIM71-related disorder. Also called: TRIM71-related condition.

Allele frequency attached by ClinVar (database versions not stated): 1000 Genomes Project 30x 0.00016; ExAC 0.00060; gnomAD 0.00077; TOPMed 0.00085; gnomAD exomes 0.00120.
gnomAD v4.1: 1,876 of 1,612,262 alleles (0.12%); highest among the groups gnomAD compares: Non-Finnish European, 0.15%; 1 homozygote.

Submissions (3):

CeGaT Center for Human Genetics Tuebingen
Classification: Likely benign. Last evaluated: 2026-03-01. Review status: criteria provided, single submitter. Criteria: CeGaT Center For Human Genetics Tuebingen Variant Classification Criteria Version 2. Collection method: clinical testing. Allele origin: germline. Affected: yes. Observed: 3 variant alleles.
Comment: TRIM71: BP4, BP7

Blueprint Genetics
Classification: Likely benign. Last evaluated: 2024-11-01. Review status: criteria provided, single submitter. Criteria: ACMG Guidelines, 2015. Collection method: clinical testing. Allele origin: germline.

PreventionGenetics, part of Exact Sciences
Classification: Likely benign for TRIM71-related condition. Last evaluated: 2021-11-03. Review status: no assertion criteria provided. Collection method: clinical testing. Allele origin: germline. Not counted in ClinVar's aggregate classification.
Comment: This variant is classified as likely benign based on ACMG/AMP sequence variant interpretation guidelines (Richards et al. 2015 PMID: 25741868, with internal and published modifications).